The following is an entry in ClinVar:

NM_001961.4(EEF2):c.2224G>T (p.Glu742Ter)

Genes: EEF2 (eukaryotic translation elongation factor 2; minus strand), LOC130063169 (ATAC-STARR-seq lymphoblastoid active region 13746; plus strand). Cytogenetic location: 19p13.3.
Variant type: single nucleotide variant.
Coding change: c.2224G>T on transcript NM_001961.4 (MANE Select); coding-DNA position 2224, G replaced by T.
Protein change: p.Glu742Ter; replaces glutamic acid 742 with a stop codon.
Molecular consequence: nonsense.
Genome position (GRCh38, 1-based): chr19:3,977,454, C>A on the plus strand (G>T on the coding strand, the complement: EEF2 is on the minus strand). VCF-style: chr19-3977454-C-A. GRCh37 (hg19) VCF-style: chr19-3977452-C-A.
Other names: short protein forms E742*.
Identifiers: ClinVar variation 4855081 (VCV004855081.1).

ClinVar aggregate classification (germline): Uncertain significance (1 of 4 stars; one submission).

Conditions:
EEF2-related disorder. Also called: EEF2-related condition.

gnomAD v4.1: 1 of 1,581,156 alleles (0.000063%); highest among the groups gnomAD compares: Non-Finnish European, 0.000086%; no homozygotes.

Submission:

3billion
Classification: Uncertain significance for EEF2-related disorder. Last evaluated: 2025-11-11. Review status: criteria provided, single submitter. Criteria: ACMG Guidelines, 2015. Collection method: clinical testing. Allele origin: germline. Affected: yes.
Comment: The variant is observed at an extremely low frequency in the gnomAD v4.1.0 dataset (total allele frequency: <0.001%). Predicted Consequence/Location: Stop-gained (nonsense): predicted to result in a loss or disruption of normal protein function through nonsense-mediated decay (NMD) or protein truncation. Multiple pathogenic variants are reported downstream of the variant. Therefore, this variant is classified as VUS according to the recommendation of ACMG/AMP guideline.